The following is an entry in ClinVar:

ClinVar aggregate classification (germline): Uncertain significance (1 of 4 stars; one submission).

Conditions:
PKD1-related disorder. Also called: PKD1-related condition.

gnomAD v4.1: 6 of 1,611,256 alleles (0.00037%); highest among the groups gnomAD compares: African/African-American, 0.0013%; no homozygotes.

Submission:

PreventionGenetics, part of Exact Sciences
Classification: Uncertain significance for PKD1-related condition. Last evaluated: 2026-07-08. Review status: criteria provided, single submitter. Criteria: ACMG Guidelines, 2015. Collection method: clinical testing. Allele origin: germline.
Comment: The PKD1 c.10178T>C variant is predicted to result in the amino acid substitution p.Val3393Ala. To our knowledge, this variant has not been reported in the literature. This variant is reported in 0.00089% of alleles in individuals of European (Non-Finnish) descent in gnomAD. At this time, the clinical significance of this variant is uncertain due to the absence of conclusive functional and genetic evidence.

NM_001009944.3(PKD1):c.10178T>C (p.Val3393Ala)

Gene: PKD1 (polycystin 1, transient receptor potential channel interacting; minus strand). Cytogenetic location: 16p13.3.
Variant type: single nucleotide variant.
Coding change: c.10178T>C on transcript NM_001009944.3 (MANE Select); coding-DNA position 10178, T replaced by C.
Protein change: p.Val3393Ala; replaces valine 3393 with alanine.
Molecular consequence: missense variant.
Genome position (GRCh38, 1-based): chr16:2,097,770, A>G on the plus strand (T>C on the coding strand, the complement: PKD1 is on the minus strand). VCF-style: chr16-2097770-A-G. GRCh37 (hg19) VCF-style: chr16-2147771-A-G.
Other names: c.10175T>C, p.Val3392Ala (NM_000296.4); short protein forms V3393A, V3392A.
Identifiers: ClinVar variation 4984844 (VCV004984844.1).